The following is an entry in ClinVar:

ClinVar aggregate classification (germline): Uncertain significance. Review status: criteria provided, multiple submitters, no conflicts (2 of 4 stars). 2 submissions from 2 submitters: Uncertain significance (2). Last evaluated 2025-02-23.

Conditions:
Cardiomyopathy (CMYO). Also called: Cardiomyopathies. Identifiers: Orphanet 167848, MedGen C0878544, MONDO:0004994, HP:0001638. Inheritance: Various modes of inheritance.
Arrhythmogenic cardiomyopathy with wooly hair and keratoderma. Also called: PALMOPLANTAR KERATODERMA WITH LEFT VENTRICULAR CARDIOMYOPATHY AND WOOLLY HAIR; Carvajal syndrome; Dilated cardiomyopathy with woolly hair and keratoderma; Arrhythmogenic cardiomyopathy with woolly hair and keratoderma. Identifiers: Orphanet 65282, MedGen C1854063, MONDO:0011581, OMIM 605676.

Allele frequency attached by ClinVar (database versions not stated): ExAC 0.00001.
gnomAD v4.1: 2 of 1,614,218 alleles (0.00012%); highest among the groups gnomAD compares: South Asian, 0.0011%; no homozygotes.

Submissions (2):

Color Diagnostics, LLC DBA Color Health
Classification: Uncertain significance for Cardiomyopathy. Last evaluated: 2025-02-23. Review status: criteria provided, single submitter. Criteria: ACMG Guidelines, 2015. Collection method: clinical testing. Allele origin: germline.
Comment: This missense variant replaces methionine with valine at codon 668 of the DSP protein. Computational prediction suggests that this variant may not impact protein structure and function (internally defined REVEL score threshold <= 0.5, PMID: 27666373). To our knowledge, functional studies have not been reported for this variant. This variant has not been reported in individuals affected with DSP-related disorders in the literature. This variant has been identified in 2/251240 chromosomes in the general population by the Genome Aggregation Database (gnomAD). The available evidence is insufficient to determine the role of this variant in disease conclusively. Therefore, this variant is classified as a Variant of Uncertain Significance.

All of Us Research Program, National Institutes of Health
Classification: Uncertain significance for Arrhythmogenic cardiomyopathy with wooly hair and keratoderma. Last evaluated: 2023-06-26. Review status: criteria provided, single submitter. Criteria: ACMG Guidelines, 2015. Collection method: clinical testing. Allele origin: germline. Inheritance: Autosomal dominant inheritance. Observed: 1 variant allele, 1 heterozygote.
Comment: This missense variant replaces methionine with valine at codon 668 of the DSP protein. Computational prediction suggests that this variant may not impact protein structure and function (internally defined REVEL score threshold <= 0.5, PMID: 27666373). To our knowledge, functional studies have not been reported for this variant. This variant has not been reported in individuals affected with DSP-related disorders in the literature. This variant has been identified in 2/251240 chromosomes in the general population by the Genome Aggregation Database (gnomAD). The available evidence is insufficient to determine the role of this variant in disease conclusively. Therefore, this variant is classified as a Variant of Uncertain Significance.

This study involves interpretation of variants in research participants for the purpose of population health screening. Participant phenotype was not available at the time of variant classification. Additional details can be found in publication PMID: 35346344, PMCID: PMC8962531

NM_004415.4(DSP):c.2002A>G (p.Met668Val)

Gene: DSP (desmoplakin; plus strand). Cytogenetic location: 6p24.3.
Variant type: single nucleotide variant.
Coding change: c.2002A>G on transcript NM_004415.4 (MANE Select); coding-DNA position 2002, A replaced by G.
Protein change: p.Met668Val; replaces methionine 668 with valine.
Molecular consequence: missense variant.
Genome position (GRCh38, 1-based): chr6:7,571,940, A>G. VCF-style: chr6-7571940-A-G. GRCh37 (hg19) VCF-style: chr6-7572173-A-G.
Other names: c.2002A>G, p.Met668Val (NM_001008844.3, NM_001319034.2); short protein forms M668V.
Identifiers: ClinVar variation 3072038 (VCV003072038.2), dbSNP rs763652996, ClinGen allele CA031181.